The following is an entry in ClinVar:

NM_018063.5(HELLS):c.231A>G (p.Ile77Met)

Gene: HELLS (helicase, lymphoid specific; plus strand). Cytogenetic location: 10q23.33.
Variant type: single nucleotide variant.
Coding change: c.231A>G on transcript NM_018063.5 (MANE Select); coding-DNA position 231, A replaced by G.
Protein change: p.Ile77Met; replaces isoleucine 77 with methionine.
Molecular consequence: missense variant. On other transcripts: 5 prime UTR variant (4).
Genome position (GRCh38, 1-based): chr10:94,554,203, A>G. VCF-style: chr10-94554203-A-G. GRCh37 (hg19) VCF-style: chr10-96313960-A-G.
Other names: c.231A>G, p.Ile77Met (NM_001289067.2, NM_001289069.2, NM_001289070.2 and 1 more transcripts); c.183A>G, p.Ile61Met (NM_001289068.2); c.-186A>G (NM_001289071.2); c.-119A>G (NM_001289073.2); c.-772A>G (NM_001289074.2); c.-791A>G (NM_001289075.2); short protein forms I61M, I77M.
Identifiers: ClinVar variation 3672854 (VCV003672854.2).

ClinVar aggregate classification (germline): Uncertain significance (1 of 4 stars; one submission).

gnomAD v4.1: 4 of 1,578,806 alleles (0.00025%); highest among the groups gnomAD compares: Non-Finnish European, 0.00034%; no homozygotes.

Submission:

Labcorp Genetics (formerly Invitae), Labcorp
Classification: Uncertain significance. Last evaluated: 2025-01-23. Review status: criteria provided, single submitter. Criteria: Invitae Variant Classification Sherloc (09022015). Collection method: clinical testing. Allele origin: germline.
Comment: This sequence change replaces isoleucine, which is neutral and non-polar, with methionine, which is neutral and non-polar, at codon 77 of the HELLS protein (p.Ile77Met). This variant is not present in population databases (gnomAD no frequency). This variant has not been reported in the literature in individuals affected with HELLS-related conditions. An algorithm developed to predict the effect of missense changes on protein structure and function (PolyPhen-2) suggests that this variant is likely to be disruptive. In summary, the available evidence is currently insufficient to determine the role of this variant in disease. Therefore, it has been classified as a Variant of Uncertain Significance.